The following is an entry in ClinVar:

ClinVar aggregate classification (germline): Uncertain significance. Review status: criteria provided, multiple submitters, no conflicts (2 of 4 stars). 9 submissions from 8 submitters: Uncertain significance (9). Last evaluated 2026-05-01.

Conditions:
SLC37A4-related disorder. Also called: SLC37A4-related condition.
Phosphate transport defect (GSD1C). Also called: GSD Ic; GLYCOGEN STORAGE DISEASE Ic. Identifiers: Orphanet 364, Orphanet 79259, MedGen C0342749, OMIM 232240.
Glucose-6-phosphate transport defect (GSD1B). Also called: Glycogen Storage Disease Type Ib; GSD Ib. Identifiers: Orphanet 364, Orphanet 79259, MedGen C0268146, MONDO:0009288, OMIM 232220.
Congenital disorder of glycosylation, type IIw. Identifiers: MedGen C5561986, MONDO:0030437, OMIM 619525.
Inborn genetic diseases. Identifiers: MedGen C0950123, MeSH D030342.

Allele frequency attached by ClinVar (database versions not stated): gnomAD below 0.00001 and 0.00004; gnomAD exomes 0.00006 and 0.00015; ExAC 0.00014; 1000 Genomes Project 30x 0.00062; 1000 Genomes Project 0.00080.

Submissions (9):

CeGaT Center for Human Genetics Tuebingen
Classification: Uncertain significance. Last evaluated: 2026-05-01. Review status: criteria provided, single submitter. Criteria: CeGaT Center For Human Genetics Tuebingen Variant Classification Criteria Version 2. Collection method: clinical testing. Allele origin: germline. Affected: yes. Observed: 1 variant allele.
Comment: SLC37A4: PM5, BP4

PreventionGenetics, part of Exact Sciences
Classification: Uncertain significance for SLC37A4-related condition. Last evaluated: 2026-03-11. Review status: criteria provided, single submitter. Criteria: ACMG Guidelines, 2015. Collection method: clinical testing. Allele origin: germline.
Comment: The SLC37A4 c.556C>T variant is predicted to result in the amino acid substitution p.Leu186Phe. To our knowledge, this variant has not been reported in the literature. This variant is reported in 0.12% of alleles in individuals of South Asian descent in gnomAD, which may be too frequent to be a primary cause of disease. Although we suspect that this variant may be benign, at this time, the clinical significance of this variant is uncertain due to the absence of conclusive functional and genetic evidence.

Ambry Genetics
Classification: Uncertain significance for Inborn genetic diseases. Last evaluated: 2025-09-24. Review status: criteria provided, single submitter. Criteria: Ambry Variant Classification Scheme 2023. Collection method: clinical testing. Allele origin: germline.
Comment: The p.L186F variant (also known as c.556C>T), located in coding exon 3 of the SLC37A4 gene, results from a C to T substitution at nucleotide position 556. The leucine at codon 186 is replaced by phenylalanine, an amino acid with highly similar properties. This amino acid position is conserved. In addition, this alteration is predicted to be tolerated by in silico analysis. Since supporting evidence is limited at this time, the clinical significance of this alteration remains unclear.

Labcorp Genetics (formerly Invitae), Labcorp
Classification: Uncertain significance for Glucose-6-phosphate transport defect. Last evaluated: 2024-05-13. Review status: criteria provided, single submitter. Criteria: Invitae Variant Classification Sherloc (09022015). Collection method: clinical testing. Allele origin: germline.
Comment: This sequence change replaces leucine, which is neutral and non-polar, with phenylalanine, which is neutral and non-polar, at codon 186 of the SLC37A4 protein (p.Leu186Phe). This variant is present in population databases (rs538938823, gnomAD 0.1%). This variant has not been reported in the literature in individuals affected with SLC37A4-related conditions. ClinVar contains an entry for this variant (Variation ID: 595016). Advanced modeling of protein sequence and biophysical properties (such as structural, functional, and spatial information, amino acid conservation, physicochemical variation, residue mobility, and thermodynamic stability) performed at Invitae indicates that this missense variant is not expected to disrupt SLC37A4 protein function with a negative predictive value of 80%. In summary, the available evidence is currently insufficient to determine the role of this variant in disease. Therefore, it has been classified as a Variant of Uncertain Significance.

Fulgent Genetics
Classification: Uncertain significance for Glucose-6-phosphate transport defect; Phosphate transport defect; Congenital disorder of glycosylation, type IIw. Last evaluated: 2022-03-01. Review status: criteria provided, single submitter. Criteria: ACMG Guidelines, 2015. Collection method: clinical testing. Allele origin: unknown.

GeneDx
Classification: Uncertain significance. Last evaluated: 2021-12-20. Review status: criteria provided, single submitter. Criteria: GeneDx Variant Classification Process June 2021. Collection method: clinical testing. Allele origin: germline. Affected: yes.
Comment: In silico analysis supports that this missense variant does not alter protein structure/function; In-silico analysis is inconclusive as to whether the variant alters gene splicing. In the absence of RNA/functional studies, the actual effect of this sequence change is unknown.; Has not been previously published as pathogenic or benign to our knowledge

Genome-Nilou Lab
Classification: Uncertain significance for Glucose-6-phosphate transport defect. Last evaluated: 2021-07-22. Review status: criteria provided, single submitter. Criteria: ACMG Guidelines, 2015. Collection method: clinical testing. Allele origin: germline. Affected: no.

Genome-Nilou Lab
Classification: Uncertain significance for Phosphate transport defect. Last evaluated: 2021-07-22. Review status: criteria provided, single submitter. Criteria: ACMG Guidelines, 2015. Collection method: clinical testing. Allele origin: germline. Affected: no.

Eurofins Ntd Llc (ga)
Classification: Uncertain significance. Last evaluated: 2017-11-15. Review status: criteria provided, single submitter. Criteria: EGL Classification Definitions 2015. Collection method: clinical testing. Allele origin: germline. Observed: 1 variant allele, 1 homozygote.

NM_001164277.2(SLC37A4):c.556C>T (p.Leu186Phe)

Gene: SLC37A4 (solute carrier family 37 member 4; minus strand). Cytogenetic location: 11q23.3.
Variant type: single nucleotide variant.
Coding change: c.556C>T on transcript NM_001164277.2 (MANE Select); coding-DNA position 556, C replaced by T.
Protein change: p.Leu186Phe; replaces leucine 186 with phenylalanine.
Molecular consequence: missense variant.
Genome position (GRCh38, 1-based): chr11:119,027,697, G>A on the plus strand (C>T on the coding strand, the complement: SLC37A4 is on the minus strand). VCF-style: chr11-119027697-G-A. GRCh37 (hg19) VCF-style: chr11-118898407-G-A.
Other names: c.556C>T (NM_001164277.1, NM_001467.5); c.556C>T, p.Leu186Phe (NM_001164278.2, NM_001164280.2, NM_001467.6); c.337C>T, p.Leu113Phe (NM_001164279.2); short protein forms L186F, L113F.
Identifiers: ClinVar variation 595016 (VCV000595016.18), dbSNP rs538938823, ClinGen allele CA6311812.